The following is an entry in ClinVar:

NM_001349884.2(DRAM2):c.323T>G (p.Ile108Ser)

Gene: DRAM2 (DNA damage regulated autophagy modulator 2; minus strand). Cytogenetic location: 1p13.3.
Variant type: single nucleotide variant.
Coding change: c.323T>G on transcript NM_001349884.2 (MANE Select); coding-DNA position 323, T replaced by G.
Protein change: p.Ile108Ser; replaces isoleucine 108 with serine.
Molecular consequence: missense variant. On other transcripts: 5 prime UTR variant (1), non-coding transcript variant (3), intron variant (7).
Genome position (GRCh38, 1-based): chr1:111,124,758, A>C on the plus strand (T>G on the coding strand, the complement: DRAM2 is on the minus strand). VCF-style: chr1-111124758-A-C. GRCh37 (hg19) VCF-style: chr1-111667380-A-C.
Other names: c.323T>G, p.Ile108Ser (NM_001349881.2, NM_001349882.2, NM_001349885.2 and 1 more transcripts); c.-96T>G (NM_001349891.2); c.-52+1469T>G (NM_001349889.2, NM_001349890.2, NM_001349892.2 and 1 more transcripts); c.41+1469T>G (NM_001349887.2, NM_001349886.2, NM_001349888.2); short protein forms I108S.
Identifiers: ClinVar variation 2850289 (VCV002850289.3), dbSNP rs538416494, ClinGen allele CA341819168.

ClinVar aggregate classification (germline): Uncertain significance (1 of 4 stars; one submission).

Submission:

Labcorp Genetics (formerly Invitae), Labcorp
Classification: Uncertain significance. Last evaluated: 2023-07-29. Review status: criteria provided, single submitter. Criteria: Invitae Variant Classification Sherloc (09022015). Collection method: clinical testing. Allele origin: germline.
Comment: This sequence change replaces isoleucine, which is neutral and non-polar, with serine, which is neutral and polar, at codon 108 of the DRAM2 protein (p.Ile108Ser). This variant is not present in population databases (gnomAD no frequency). This variant has not been reported in the literature in individuals affected with DRAM2-related conditions. Advanced modeling of protein sequence and biophysical properties (such as structural, functional, and spatial information, amino acid conservation, physicochemical variation, residue mobility, and thermodynamic stability) performed at Invitae indicates that this missense variant is expected to disrupt DRAM2 protein function. In summary, the available evidence is currently insufficient to determine the role of this variant in disease. Therefore, it has been classified as a Variant of Uncertain Significance.